The following is an entry in ClinVar:

ClinVar aggregate classification (germline): Uncertain significance. Review status: criteria provided, multiple submitters, no conflicts (2 of 4 stars). 2 submissions from 2 submitters: Uncertain significance (2). Last evaluated 2025-10-18.

Conditions:
Inborn genetic diseases. Identifiers: MedGen C0950123, MeSH D030342.

gnomAD v4.1: 7 of 1,431,382 alleles (0.00049%); highest among the groups gnomAD compares: Non-Finnish European, 0.00063%; no homozygotes.

Submissions (2):

Ambry Genetics
Classification: Uncertain significance for Inborn genetic diseases. Last evaluated: 2025-10-18. Review status: criteria provided, single submitter. Criteria: Ambry Variant Classification Scheme 2023. Collection method: clinical testing. Allele origin: germline.

Labcorp Genetics (formerly Invitae), Labcorp
Classification: Uncertain significance. Last evaluated: 2024-11-05. Review status: criteria provided, single submitter. Criteria: Invitae Variant Classification Sherloc (09022015). Collection method: clinical testing. Allele origin: germline.
Comment: This sequence change replaces arginine, which is basic and polar, with glycine, which is neutral and non-polar, at codon 338 of the PRDM13 protein (p.Arg338Gly). This variant is not present in population databases (gnomAD no frequency). This variant has not been reported in the literature in individuals affected with PRDM13-related conditions. ClinVar contains an entry for this variant (Variation ID: 1512373). An algorithm developed to predict the effect of missense changes on protein structure and function (PolyPhen-2) suggests that this variant is likely to be tolerated. In summary, the available evidence is currently insufficient to determine the role of this variant in disease. Therefore, it has been classified as a Variant of Uncertain Significance.

NM_021620.4(PRDM13):c.1012C>G (p.Arg338Gly)

Genes: PRDM13 (PR/SET domain 13; plus strand), LOC129996881 (ATAC-STARR-seq lymphoblastoid silent region 17422; plus strand). Cytogenetic location: 6q16.2.
Variant type: single nucleotide variant.
Coding change: c.1012C>G on transcript NM_021620.4 (MANE Select); coding-DNA position 1012, C replaced by G.
Protein change: p.Arg338Gly; replaces arginine 338 with glycine.
Molecular consequence: missense variant.
Genome position (GRCh38, 1-based): chr6:99,613,647, C>G. VCF-style: chr6-99613647-C-G. GRCh37 (hg19) VCF-style: chr6-100061523-C-G.
Other names: c.1012C>G (NM_021620.3); short protein forms R338G.
Identifiers: ClinVar variation 1512373 (VCV001512373.9), dbSNP rs1316332637, ClinGen allele CA365117500.